The following is an entry in ClinVar:

NM_001429.4(EP300):c.2241+5G>C

Gene: EP300 (EP300 lysine acetyltransferase; plus strand). Cytogenetic location: 22q13.2.
Variant type: single nucleotide variant.
Coding change: c.2241+5G>C on transcript NM_001429.4 (MANE Select); 5 bases into the intron after coding-DNA position 2241, G replaced by C.
Molecular consequence: intron variant.
Genome position (GRCh38, 1-based): chr22:41,147,951, G>C. VCF-style: chr22-41147951-G-C. GRCh37 (hg19) VCF-style: chr22-41543955-G-C.
Other names: c.2163+5G>C (NM_001362843.2).
Identifiers: ClinVar variation 3628379 (VCV003628379.2).

ClinVar aggregate classification (germline): Uncertain significance (1 of 4 stars; one submission).

Conditions:
Rubinstein-Taybi syndrome due to EP300 haploinsufficiency. Also called: EP300-Related Rubinstein-Taybi Syndrome; RUBINSTEIN-TAYBI SYNDROME 2. Identifiers: Orphanet 353284, Orphanet 783, MedGen C3150941, MONDO:0013364, OMIM 613684.

gnomAD v4.1: 1 of 1,589,622 alleles (0.000063%); highest among the groups gnomAD compares: Non-Finnish European, 0.000086%; no homozygotes.

Submission:

Labcorp Genetics (formerly Invitae), Labcorp
Classification: Uncertain significance for Rubinstein-Taybi syndrome due to EP300 haploinsufficiency. Last evaluated: 2025-02-13. Review status: criteria provided, single submitter. Criteria: Invitae Variant Classification Sherloc (09022015). Collection method: clinical testing. Allele origin: germline.
Comment: This sequence change falls in intron 12 of the EP300 gene. It does not directly change the encoded amino acid sequence of the EP300 protein. It affects a nucleotide within the consensus splice site. This variant is not present in population databases (gnomAD no frequency). This variant has not been reported in the literature in individuals affected with EP300-related conditions. Variants that disrupt the consensus splice site are a relatively common cause of aberrant splicing (PMID: 17576681, 9536098). Algorithms developed to predict the effect of sequence changes on RNA splicing suggest that this variant may disrupt the consensus splice site. In summary, the available evidence is currently insufficient to determine the role of this variant in disease. Therefore, it has been classified as a Variant of Uncertain Significance.

Literature cited by the submitters: PubMed 17576681; PubMed 9536098.